The following is an entry in ClinVar:

NM_016169.4(SUFU):c.1186A>G (p.Thr396Ala)

Gene: SUFU (SUFU negative regulator of hedgehog signaling; plus strand). Cytogenetic location: 10q24.32.
Variant type: single nucleotide variant.
Coding change: c.1186A>G on transcript NM_016169.4 (MANE Select); coding-DNA position 1186, A replaced by G.
Protein change: p.Thr396Ala; replaces threonine 396 with alanine.
Molecular consequence: missense variant.
Genome position (GRCh38, 1-based): chr10:102,617,318, A>G. VCF-style: chr10-102617318-A-G. GRCh37 (hg19) VCF-style: chr10-104377075-A-G.
Other names: c.1186A>G, p.Thr396Ala (NM_001178133.2); short protein forms T396A.
Identifiers: ClinVar variation 4865239 (VCV004865239.1).

ClinVar aggregate classification (germline): Uncertain significance (1 of 4 stars; one submission).

Conditions:
Hereditary cancer-predisposing syndrome. Also called: Neoplastic Syndromes, Hereditary; Tumor predisposition; Hereditary Cancer Syndrome; Hereditary neoplastic syndrome. Identifiers: Orphanet 140162, MedGen C0027672, MeSH D009386, MONDO:0015356.

Submission:

Ambry Genetics
Classification: Uncertain significance for Hereditary cancer-predisposing syndrome. Last evaluated: 2026-04-01. Review status: criteria provided, single submitter. Criteria: Ambry Variant Classification Scheme 2023. Collection method: clinical testing. Allele origin: germline.
Comment: The p.T396A variant (also known as c.1186A>G), located in coding exon 10 of the SUFU gene, results from an A to G substitution at nucleotide position 1186. The threonine at codon 396 is replaced by alanine, an amino acid with similar properties. This amino acid position is highly conserved in available vertebrate species. In addition, this alteration is predicted to be deleterious by in silico analysis. Based on the available evidence, the clinical significance of this variant remains unclear.